The following is an entry in ClinVar:

NM_015338.6(ASXL1):c.1714A>G (p.Ile572Val)

Gene: ASXL1 (ASXL transcriptional regulator 1; plus strand). Cytogenetic location: 20q11.21.
Variant type: single nucleotide variant.
Coding change: c.1714A>G on transcript NM_015338.6 (MANE Select); coding-DNA position 1714, A replaced by G.
Protein change: p.Ile572Val; replaces isoleucine 572 with valine.
Molecular consequence: missense variant.
Genome position (GRCh38, 1-based): chr20:32,433,912, A>G. VCF-style: chr20-32433912-A-G. GRCh37 (hg19) VCF-style: chr20-31021715-A-G.
Other names: c.1531A>G, p.Ile511Val (NM_001363734.1); short protein forms I511V, I572V.
Identifiers: ClinVar variation 4864286 (VCV004864286.1).

ClinVar aggregate classification (germline): Uncertain significance (1 of 4 stars; one submission).

Conditions:
Inborn genetic diseases. Identifiers: MedGen C0950123, MeSH D030342.

Submission:

Ambry Genetics
Classification: Uncertain significance for Inborn genetic diseases. Last evaluated: 2026-04-22. Review status: criteria provided, single submitter. Criteria: Ambry Variant Classification Scheme 2023. Collection method: clinical testing. Allele origin: germline.
Comment: The p.I572V variant (also known as c.1714A>G), located in coding exon 12 of the ASXL1 gene, results from an A to G substitution at nucleotide position 1714. The isoleucine at codon 572 is replaced by valine, an amino acid with highly similar properties. This amino acid position is conserved. In addition, this alteration is predicted to be tolerated by in silico analysis. Based on the available evidence, the clinical significance of this variant remains unclear.